The following is an entry in ClinVar:

NM_000088.4(COL1A1):c.2906A>G (p.Glu969Gly)

Gene: COL1A1 (collagen type I alpha 1 chain; minus strand). Cytogenetic location: 17q21.33.
Variant type: single nucleotide variant.
Coding change: c.2906A>G on transcript NM_000088.4 (MANE Select); coding-DNA position 2906, A replaced by G.
Protein change: p.Glu969Gly; replaces glutamic acid 969 with glycine.
Molecular consequence: missense variant.
Genome position (GRCh38, 1-based): chr17:50,189,199, T>C on the plus strand (A>G on the coding strand, the complement: COL1A1 is on the minus strand). VCF-style: chr17-50189199-T-C. GRCh37 (hg19) VCF-style: chr17-48266560-T-C.
Other names: short protein forms E969G.
Identifiers: ClinVar variation 2440272 (VCV002440272.6), dbSNP rs1906845686, ClinGen allele CA400204816.

ClinVar aggregate classification (germline): Uncertain significance. Review status: criteria provided, multiple submitters, no conflicts (2 of 4 stars). 2 submissions from 2 submitters: Uncertain significance (2). Last evaluated 2022-11-17.

Conditions:
Osteogenesis imperfecta type I (OI1). Also called: OI, TYPE I; OSTEOGENESIS IMPERFECTA TARDA; OSTEOGENESIS IMPERFECTA WITH BLUE SCLERAE; Lobstein disease; Osteogenesis imperfecta type 1; Lobstein's Disease. Identifiers: Orphanet 216796, Orphanet 666, MedGen C0023931, MONDO:0008146, OMIM 166200. Disease mechanism: loss of function.

Allele frequency attached by ClinVar (database versions not stated): gnomAD exomes below 0.00001; gnomAD 0.00001.
gnomAD v4.1: 2 of 1,613,032 alleles (0.00012%); highest among the groups gnomAD compares: Admixed American, 0.0033%; no homozygotes.

Submissions (2):

Labcorp Genetics (formerly Invitae), Labcorp
Classification: Uncertain significance for Osteogenesis imperfecta type I. Last evaluated: 2022-11-17. Review status: criteria provided, single submitter. Criteria: Invitae Variant Classification Sherloc (09022015). Collection method: clinical testing. Allele origin: germline.
Comment: Advanced modeling of protein sequence and biophysical properties (such as structural, functional, and spatial information, amino acid conservation, physicochemical variation, residue mobility, and thermodynamic stability) performed at Invitae indicates that this missense variant is expected to disrupt COL1A1 protein function. This missense change has been observed in individual(s) with clinical features of COL1A1-related conditions (Invitae). This variant is not present in population databases (gnomAD no frequency). This sequence change replaces glutamic acid, which is acidic and polar, with glycine, which is neutral and non-polar, at codon 969 of the COL1A1 protein (p.Glu969Gly). In summary, the available evidence is currently insufficient to determine the role of this variant in disease. Therefore, it has been classified as a Variant of Uncertain Significance.

Revvity Omics, Revvity
Classification: Uncertain significance. Last evaluated: 2021-01-05. Review status: criteria provided, single submitter. Criteria: ACMG Guidelines, 2015. Collection method: clinical testing. Allele origin: germline.